The following is an entry in ClinVar:

ClinVar aggregate classification (germline): Uncertain significance (1 of 4 stars; one submission).

Conditions:
Usher syndrome type 3A (USH3A). Also called: USHER SYNDROME, TYPE IIIA. Identifiers: MedGen C5779850, MONDO:0010170, OMIM 276902.
Retinitis pigmentosa 61 (RP61). Identifiers: Orphanet 791, MedGen C3280041, MONDO:0013610, OMIM 614180.

Submission:

Juno Genomics, Hangzhou Juno Genomics, Inc
Classification: Uncertain significance for Retinitis pigmentosa 61; Usher syndrome type 3A. Review status: criteria provided, single submitter. Criteria: ACMG Guidelines, 2015. Collection method: clinical testing. Allele origin: germline. Affected: yes.
Comment: Absent from controls (or at extremely low frequency if recessive) in Genome Aggregation Database, Exome Sequencing Project, 1000 Genomes Project, or Exome Aggregation Consortium.;For recessive disorders, detected in trans with a pathogenic variant.;Multiple lines of computational evidence support a deleterious effect on the gene or gene product (conservation, evolutionary, splicing impact, etc).

NM_174878.3(CLRN1):c.220T>A (p.Cys74Ser)

Gene: CLRN1 (clarin 1; minus strand). Cytogenetic location: 3q25.1.
Variant type: single nucleotide variant.
Coding change: c.220T>A on transcript NM_174878.3 (MANE Select); coding-DNA position 220, T replaced by A.
Protein change: p.Cys74Ser; replaces cysteine 74 with serine.
Molecular consequence: missense variant. On other transcripts: non-coding transcript variant (1).
Genome position (GRCh38, 1-based): chr3:150,972,489, A>T on the plus strand (T>A on the coding strand, the complement: CLRN1 is on the minus strand). VCF-style: chr3-150972489-A-T. GRCh37 (hg19) VCF-style: chr3-150690276-A-T.
Other names: c.220T>A, p.Cys74Ser (NM_001195794.1, NM_001256819.2); short protein forms C74S.
Identifiers: ClinVar variation 3382145 (VCV003382145.2).